The following is an entry in ClinVar:

NM_001375808.2(LPIN2):c.-10+1342C>G

Gene: LPIN2 (lipin 2; minus strand). Cytogenetic location: 18p11.31.
Variant type: single nucleotide variant.
Coding change: c.-10+1342C>G on transcript NM_001375808.2 (MANE Select); 1342 bases into the intron after 10 bases upstream of the start codon, C replaced by G.
Molecular consequence: intron variant. On other transcripts: 5 prime UTR variant (1).
Genome position (GRCh38, 1-based): chr18:3,011,745, G>C on the plus strand (C>G on the coding strand, the complement: LPIN2 is on the minus strand). VCF-style: chr18-3011745-G-C. GRCh37 (hg19) VCF-style: chr18-3011743-G-C.
Other names: c.-37C>G (NM_014646.2); c.-10+1292C>G (NM_001375809.1).
Identifiers: ClinVar variation 326653 (VCV000326653.6), dbSNP rs59096963, ClinGen allele CA10641286.

ClinVar aggregate classification (germline): Benign. Review status: criteria provided, multiple submitters, no conflicts (2 of 4 stars). 3 submissions from 3 submitters: Benign (3). Last evaluated 2018-01-13.

Conditions:
Majeed syndrome (MJDS). Also called: CHRONIC RECURRENT MULTIFOCAL OSTEOMYELITIS 1, WITH CONGENITAL DYSERYTHROPOIETIC ANEMIA, WITH OR WITHOUT NEUTROPHILIC DERMATOSIS; LPIN2-Related Majeed Syndrome. Identifiers: Orphanet 77297, MedGen C1864997, MONDO:0012316, OMIM 609628.

Allele frequency attached by ClinVar (database versions not stated): 1000 Genomes Project 0.02935; 1000 Genomes Project 30x 0.03014; gnomAD 0.03286; TOPMed 0.03470.

Submissions (3):

Illumina Laboratory Services, Illumina
Classification: Benign for Majeed syndrome. Last evaluated: 2018-01-13. Review status: criteria provided, single submitter. Criteria: ICSL Variant Classification Criteria 13 December 2019. Collection method: clinical testing. Allele origin: germline.
Comment: This variant was observed in the ICSL laboratory as part of a predisposition screen in an ostensibly healthy population. It had not been previously curated by ICSL or reported in the Human Gene Mutation Database (HGMD: prior to June 1st, 2018), and was therefore a candidate for classification through an automated scoring system. Utilizing variant allele frequency, disease prevalence and penetrance estimates, and inheritance mode, an automated score was calculated to assess if this variant is too frequent to cause the disease. Based on the score and internal cut-off values, a variant classified as benign is not then subjected to further curation. The score for this variant resulted in a classification of benign for this disease.

GeneDx
Classification: Benign. Last evaluated: 2016-10-19. Review status: criteria provided, single submitter. Criteria: GeneDx Variant Classification (06012015). Collection method: clinical testing. Allele origin: germline. Affected: yes.
Comment: This variant is considered likely benign or benign based on one or more of the following criteria: it is a conservative change, it occurs at a poorly conserved position in the protein, it is predicted to be benign by multiple in silico algorithms, and/or has population frequency not consistent with disease.

Breakthrough Genomics
Classification: Benign. Review status: criteria provided, single submitter. Criteria: ACMG Guidelines, 2015. Collection method: not provided. Allele origin: germline. Inheritance: Unknown mechanism. Affected: yes.